The following is an entry in ClinVar:

ClinVar aggregate classification (germline): Likely benign. Review status: criteria provided, single submitter (1 of 4 stars). 2 submissions from 2 submitters: Likely benign (1). 1 of the submissions does not count toward it. Last evaluated 2026-05-01.

Conditions:
PRKG1-related disorder. Also called: PRKG1-related condition.

Allele frequency attached by ClinVar (database versions not stated): 1000 Genomes Project 0.00040; gnomAD exomes 0.00008; 1000 Genomes Project 30x 0.00031; gnomAD 0.00090; TOPMed 0.00097; ESP Exome Variant Server 0.00103; ExAC 0.00038.
gnomAD v4.1: 257 of 1,528,328 alleles (0.017%); highest among the groups gnomAD compares: African/African-American, 0.33%; no homozygotes.

Submissions (2):

CeGaT Center for Human Genetics Tuebingen
Classification: Likely benign. Last evaluated: 2026-05-01. Review status: criteria provided, single submitter. Criteria: CeGaT Center For Human Genetics Tuebingen Variant Classification Criteria Version 2. Collection method: clinical testing. Allele origin: germline. Affected: yes. Observed: 1 variant allele.
Comment: PRKG1: BP4, BP7

PreventionGenetics, part of Exact Sciences
Classification: Likely benign for PRKG1-related condition. Last evaluated: 2019-05-31. Review status: no assertion criteria provided. Collection method: clinical testing. Allele origin: germline. Not counted in ClinVar's aggregate classification.
Comment: This variant is classified as likely benign based on ACMG/AMP sequence variant interpretation guidelines (Richards et al. 2015 PMID: 25741868, with internal and published modifications).

NM_001098512.3(PRKG1):c.258G>A (p.Lys86=)

Gene: PRKG1 (protein kinase cGMP-dependent 1; plus strand). Cytogenetic location: 10q11.23.
Variant type: single nucleotide variant.
Coding change: c.258G>A on transcript NM_001098512.3; coding-DNA position 258, G replaced by A.
Protein change: p.Lys86=; no amino-acid change (lysine 86 retained).
Molecular consequence: synonymous variant.
Genome position (GRCh38, 1-based): chr10:50,991,636, G>A. VCF-style: chr10-50991636-G-A. GRCh37 (hg19) VCF-style: chr10-52751396-G-A.
Identifiers: ClinVar variation 3042068 (VCV003042068.4), dbSNP rs370542792, ClinGen allele CA5503025.